The following is an entry in ClinVar:

ClinVar aggregate classification (germline): Likely benign (0 of 4 stars; one submission).

Conditions:
INPP5E-related disorder. Also called: INPP5E-related condition.

gnomAD v4.1: 3 of 1,444,370 alleles (0.00021%); highest among the groups gnomAD compares: Middle Eastern, 0.049%; no homozygotes.

Submission:

PreventionGenetics, part of Exact Sciences
Classification: Likely benign for INPP5E-related condition. Last evaluated: 2021-12-20. Review status: no assertion criteria provided. Collection method: clinical testing. Allele origin: germline.
Comment: This variant is classified as likely benign based on ACMG/AMP sequence variant interpretation guidelines (Richards et al. 2015 PMID: 25741868, with internal and published modifications).

NM_019892.6(INPP5E):c.63G>A (p.Arg21=)

Gene: INPP5E (inositol polyphosphate-5-phosphatase E; minus strand). Cytogenetic location: 9q34.3.
Variant type: single nucleotide variant.
Coding change: c.63G>A on transcript NM_019892.6 (MANE Select); coding-DNA position 63, G replaced by A.
Protein change: p.Arg21=; no amino-acid change (arginine 21 retained).
Molecular consequence: synonymous variant.
Genome position (GRCh38, 1-based): chr9:136,439,357, C>T on the plus strand (G>A on the coding strand, the complement: INPP5E is on the minus strand). VCF-style: chr9-136439357-C-T. GRCh37 (hg19) VCF-style: chr9-139333809-C-T.
Other names: c.63G>A, p.Arg21= (NM_001318502.2).
Identifiers: ClinVar variation 3357195 (VCV003357195.1).
Genomic context (GRCh38, chr9:136,439,357, plus strand): 5'-ATCGGGTGGGGACCCCGCGCGCTGGGCCGGCGGAGCGCCGGGAAGCTGTCCTTGGAGCGT[C>T]CTCCCTTCCGGCGGCTGCGGGGCCGGCTCGGAGGGCCGCAGATTCTCCGCCTTGGACGGC-3'
Protein context (NP_063945.2, residues 11-31): SEPAPQPPEG[Arg21=]TLQGQLPGAP